The following is an entry in ClinVar:

NM_000342.4(SLC4A1):c.657G>T (p.Lys219Asn)

Gene: SLC4A1 (solute carrier family 4 member 1 (Diego blood group); minus strand). Cytogenetic location: 17q21.31.
Variant type: single nucleotide variant.
Coding change: c.657G>T on transcript NM_000342.4 (MANE Select); coding-DNA position 657, G replaced by T.
Protein change: p.Lys219Asn; replaces lysine 219 with asparagine.
Molecular consequence: missense variant.
Genome position (GRCh38, 1-based): chr17:44,259,534, C>A on the plus strand (G>T on the coding strand, the complement: SLC4A1 is on the minus strand). VCF-style: chr17-44259534-C-A. GRCh37 (hg19) VCF-style: chr17-42336902-C-A.
Other names: short protein forms K219N.
Identifiers: ClinVar variation 4769236 (VCV004769236.1).

ClinVar aggregate classification (germline): Uncertain significance (1 of 4 stars; one submission).

Submission:

Labcorp Genetics (formerly Invitae), Labcorp
Classification: Uncertain significance. Last evaluated: 2025-10-05. Review status: criteria provided, single submitter. Criteria: Invitae Variant Classification Sherloc (09022015). Collection method: clinical testing. Allele origin: germline.
Comment: This sequence change replaces lysine, which is basic and polar, with asparagine, which is neutral and polar, at codon 219 of the SLC4A1 protein (p.Lys219Asn). This variant is not present in population databases (gnomAD no frequency). This variant has not been reported in the literature in individuals affected with SLC4A1-related conditions. Invitae Evidence Modeling of protein sequence and biophysical properties (such as structural, functional, and spatial information, amino acid conservation, physicochemical variation, residue mobility, and thermodynamic stability) indicates that this missense variant is not expected to disrupt SLC4A1 protein function with a negative predictive value of 80%. In summary, the available evidence is currently insufficient to determine the role of this variant in disease. Therefore, it has been classified as a Variant of Uncertain Significance.